The following is an entry in ClinVar:

NM_001037333.3(CYFIP2):c.3733A>G (p.Ile1245Val)

Genes: CYFIP2 (cytoplasmic FMR1 interacting protein 2; plus strand), NIPAL4-DT (NIPAL4 divergent transcript; minus strand). Cytogenetic location: 5q33.3.
Variant type: single nucleotide variant.
Coding change: c.3733A>G on transcript NM_001037333.3 (MANE Select); coding-DNA position 3733, A replaced by G.
Protein change: p.Ile1245Val; replaces isoleucine 1245 with valine.
Molecular consequence: missense variant.
Genome position (GRCh38, 1-based): chr5:157,392,971, A>G. VCF-style: chr5-157392971-A-G. GRCh37 (hg19) VCF-style: chr5-156819979-A-G.
Other names: c.3655A>G, p.Ile1219Val (NM_001291721.2); c.3808A>G, p.Ile1270Val (NM_001291722.2); c.3733A>G, p.Ile1245Val (NM_014376.4); short protein forms I1219V, I1270V, I1245V.
Identifiers: ClinVar variation 4713089 (VCV004713089.1).

ClinVar aggregate classification (germline): Uncertain significance (1 of 4 stars; one submission).

gnomAD v4.1: 2 of 1,613,922 alleles (0.00012%); highest among the groups gnomAD compares: Non-Finnish European, 0.00017%; no homozygotes.

Submission:

Labcorp Genetics (formerly Invitae), Labcorp
Classification: Uncertain significance. Last evaluated: 2025-02-15. Review status: criteria provided, single submitter. Criteria: Invitae Variant Classification Sherloc (09022015). Collection method: clinical testing. Allele origin: germline.
Comment: This sequence change replaces isoleucine, which is neutral and non-polar, with valine, which is neutral and non-polar, at codon 1245 of the CYFIP2 protein (p.Ile1245Val). This variant is not present in population databases (gnomAD no frequency). This variant has not been reported in the literature in individuals affected with CYFIP2-related conditions. Experimental studies and prediction algorithms are not available or were not evaluated, and the functional significance of this variant is currently unknown. In summary, the available evidence is currently insufficient to determine the role of this variant in disease. Therefore, it has been classified as a Variant of Uncertain Significance.